The following is an entry in ClinVar:

ClinVar aggregate classification (germline): Uncertain significance. Review status: criteria provided, multiple submitters, no conflicts (2 of 4 stars). 2 submissions from 2 submitters: Uncertain significance (2). Last evaluated 2025-03-15.

Conditions:
Epileptic encephalopathy. Identifiers: MedGen C0543888, HP:0200134.

Allele frequency attached by ClinVar (database versions not stated): TOPMed 0.00002.

Submissions (2):

Labcorp Genetics (formerly Invitae), Labcorp
Classification: Uncertain significance for Epileptic encephalopathy. Last evaluated: 2025-03-15. Review status: criteria provided, single submitter. Criteria: Invitae Variant Classification Sherloc (09022015). Collection method: clinical testing. Allele origin: germline.
Comment: This sequence change replaces methionine, which is neutral and non-polar, with isoleucine, which is neutral and non-polar, at codon 1235 of the FASN protein (p.Met1235Ile). This variant is present in population databases (rs766761539, gnomAD 0.02%). This variant has not been reported in the literature in individuals affected with FASN-related conditions. ClinVar contains an entry for this variant (Variation ID: 1045902). An algorithm developed to predict the effect of missense changes on protein structure and function outputs the following: PolyPhen-2: "Benign". The isoleucine amino acid residue is found in multiple mammalian species, which suggests that this missense change does not adversely affect protein function. In summary, the available evidence is currently insufficient to determine the role of this variant in disease. Therefore, it has been classified as a Variant of Uncertain Significance.

Ambry Genetics
Classification: Uncertain significance. Last evaluated: 2022-06-29. Review status: criteria provided, single submitter. Criteria: Ambry Variant Classification Scheme 2023. Collection method: clinical testing. Allele origin: germline.

NM_004104.5(FASN):c.3705G>A (p.Met1235Ile)

Gene: FASN (fatty acid synthase; minus strand). Cytogenetic location: 17q25.3.
Variant type: single nucleotide variant.
Coding change: c.3705G>A on transcript NM_004104.5 (MANE Select); coding-DNA position 3705, G replaced by A.
Protein change: p.Met1235Ile; replaces methionine 1235 with isoleucine.
Molecular consequence: missense variant.
Genome position (GRCh38, 1-based): chr17:82,086,281, C>T on the plus strand (G>A on the coding strand, the complement: FASN is on the minus strand). VCF-style: chr17-82086281-C-T. GRCh37 (hg19) VCF-style: chr17-80044157-C-T.
Other names: c.3705G>A (NM_004104.4); short protein forms M1235I.
Identifiers: ClinVar variation 1045902 (VCV001045902.9), dbSNP rs766761539, ClinGen allele CA8852304.